The following is an entry in ClinVar:

NM_001792.5(CDH2):c.2603G>C (p.Gly868Ala)

Genes: CDH2 (cadherin 2; minus strand), CDH2-AS1 (CDH2 antisense RNA 1; plus strand). Cytogenetic location: 18q12.1.
Variant type: single nucleotide variant.
Coding change: c.2603G>C on transcript NM_001792.5 (MANE Select); coding-DNA position 2603, G replaced by C.
Protein change: p.Gly868Ala; replaces glycine 868 with alanine.
Molecular consequence: missense variant.
Genome position (GRCh38, 1-based): chr18:27,952,271, C>G on the plus strand (G>C on the coding strand, the complement: CDH2 is on the minus strand). VCF-style: chr18-27952271-C-G. GRCh37 (hg19) VCF-style: chr18-25532235-C-G.
Other names: c.2510G>C, p.Gly837Ala (NM_001308176.2); short protein forms G837A, G868A.
Identifiers: ClinVar variation 4540217 (VCV004540217.1).
Genomic context (GRCh38, chr18:27,952,271, plus strand): 5'-TTCAGGTAATCATAGTCCTGCTCACCACCACTACTTGAGGAATTAAGGGAGCTCAAGGAC[C>G]CAGCAGTGGAGCCACTGCCTTCATAGTCAAACACTAACAGGGAGTCATATGGTGGAGCTG-3'
Protein context (NP_001783.2, residues 858-878): FDYEGSGSTA[Gly868Ala]SLSSLNSSSS

ClinVar aggregate classification (germline): Uncertain significance (1 of 4 stars; one submission).

Submission:

GeneDx
Classification: Uncertain significance. Last evaluated: 2025-06-24. Review status: criteria provided, single submitter. Criteria: GeneDx Variant Classification Process June 2021. Collection method: clinical testing. Allele origin: germline. Affected: yes.
Comment: Not observed at significant frequency in large population cohorts (gnomAD); In silico analysis suggests that this missense variant does not alter protein structure/function; Has not been previously published as pathogenic or benign to our knowledge